The following is an entry in ClinVar:

NM_001164508.2(NEB):c.24579G>C (p.Ser8193=)

Genes: NEB (nebulin; minus strand), RIF1 (replication timing regulatory factor 1; plus strand). Cytogenetic location: 2q23.3.
Variant type: single nucleotide variant.
Coding change: c.24579G>C on transcript NM_001164508.2 (MANE Select); coding-DNA position 24579, G replaced by C.
Protein change: p.Ser8193=; no amino-acid change (serine 8193 retained).
Molecular consequence: synonymous variant.
Genome position (GRCh38, 1-based): chr2:151,494,161, C>G on the plus strand (G>C on the coding strand, the complement: NEB is on the minus strand). VCF-style: chr2-151494161-C-G. GRCh37 (hg19) VCF-style: chr2-152350675-C-G.
Other names: NM_001164508.2(NEB):c.24579G>C; p.Ser8193=; c.24579G>C, p.Ser8193= (NM_001164507.2); c.24684G>C, p.Ser8228= (NM_001271208.2); c.19011G>C, p.Ser6337= (NM_004543.5).
Identifiers: ClinVar variation 657591 (VCV000657591.25), dbSNP rs202048855, ClinGen allele CA1905996.

ClinVar aggregate classification (germline): Pathogenic. Review status: criteria provided, multiple submitters, no conflicts (2 of 4 stars). 7 submissions from 7 submitters: Pathogenic (7). Last evaluated 2026-01-22.

Conditions:
Arthrogryposis multiplex congenita 6. Identifiers: MedGen C5543431, MONDO:0030281, OMIM 619334.
Nemaline myopathy 2 (NEM2). Also called: Nemaline myopathy 2, autosomal recessive. Identifiers: MedGen C1850569, MONDO:0009725, OMIM 256030.
Nemaline myopathy. Also called: Myopathies, Nemaline. Identifiers: Orphanet 607, MedGen C0206157, MONDO:0018958.

Allele frequency attached by ClinVar (database versions not stated): TOPMed 0.00002.
gnomAD v4.1: 61 of 1,601,982 alleles (0.0038%); highest among the groups gnomAD compares: East Asian, 0.13%; no homozygotes.

Submissions (7):

3billion
Classification: Pathogenic for Nemaline myopathy 2. Last evaluated: 2026-01-22. Review status: criteria provided, single submitter. Criteria: ACMG Guidelines, 2015. Collection method: clinical testing. Allele origin: germline. Affected: yes.
Comment: The variant is observed at an extremely low frequency in the gnomAD v4.1.0 dataset (total allele frequency: 0.004%). Predicted Consequence/Location: Synonymous variant: previously reported to alter splicing (PMID: 30467404). Functional studies provide moderate evidence of the variant having a damaging effect on the gene or gene product (PMID: 30467404). Synonymous variant: previously reported to alter splicing (PMID: 30467404). Therefore, this variant is classified as Pathogenic according to the recommendation of ACMG/AMP guideline.

Natera, Inc.
Classification: Pathogenic for Nemaline myopathy type 2. Last evaluated: 2025-08-06. Review status: criteria provided, single submitter. Criteria: Natera Variant Classification Schema (03/2026). Collection method: clinical testing. Allele origin: germline.
Comment: The c.24684G>C variant in NEB is a synonymous variant that does not alter the encoded amino acid at position 8228 (p.S8228=). This variant is rare in the general population with a frequency below the threshold expected for the associated phenotype(s). This variant has been observed in one or more individuals affected with the associated recessive disease, as either homozygous or compound heterozygous with a second variant (PMID: 27074222, 30467404). Functional studies show that this variant may disrupt protein function (PMID: 30467404). Computational prediction algorithms indicate this variant is likely to affect gene or protein function. Given the available evidence, this variant is classified as Pathogenic.

GeneDx
Classification: Pathogenic. Last evaluated: 2025-03-20. Review status: criteria provided, single submitter. Criteria: GeneDx Variant Classification Process June 2021. Collection method: clinical testing. Allele origin: germline. Affected: yes.
Comment: RNA studies demonstrate this variant results in multiple abnormal transcripts (PMID: 30467404); Not observed at significant frequency in large population cohorts (gnomAD); In silico analysis supports a deleterious effect on splicing; This variant is associated with the following publications: (PMID: 32176652, Ogasawara2024[abstract], 38836035, 37460656, 33059815, Mizutani2025[article], 36233295, 30467404)

Broad Center for Mendelian Genomics, Broad Institute of MIT and Harvard
Classification: Pathogenic for Nemaline myopathy. Last evaluated: 2025-02-25. Review status: criteria provided, single submitter. Criteria: ACMG Guidelines, 2015. Collection method: curation. Allele origin: germline. Inheritance: Autosomal recessive inheritance.
Comment: The p.Ser8193= variant in NEB has been reported in at least ten individuals with nemaline myopathy (PMID: 23726790, 30467404, 36233295), and has been identified in 0.013% (60/44664) of East Asian chromosomes by the Genome Aggregation Database (gnomAD; dbSNP ID: rs202048855). Although this variant has been seen in the general population in a heterozygous state, its frequency is not high enough to rule out a pathogenic role. This variant has also been reported in ClinVar (Variation ID: 657591) and has been interpreted as pathogenic by Invitae and Natera Inc., and as a variant of uncertain significance by Illumina Laboratory Services. Of the affected individuals, at least 2 were compound heterozygotes that carried a reported pathogenic variant in trans, which increases the likelihood that the p.Ser8193= variant is pathogenic (Variation ID: 578209, 370777; PMID: 36233295). RNAseq analysis performed on affected tissue shows possible evidence of intron retention after exon 174 (PMID: 30467404)], which is predicted to lead to a truncated or absent protein. This variant is located in the last three bases of the exon, which is part of the 3‚Äô splice region. Computational tools do suggest an impact to splicing. However, this information is not predictive enough to determine pathogenicity. Loss of function of the NEB gene is an established disease mechanism in autosomal recessive nemaline myopathy. The phenotype of individuals heterozygous for this variant is highly specific for nemaline myopathy based on the presence of nemaline rods consistent with disease (PMID: 23726790, 36233295). In summary, this variant meets criteria to be classified as pathogenic for autosomal autosomal recessive nemaline myopathy. ACMG/AMP Criteria applied: PM3_very-strong, PVS1_strong, PP4 (Richards 2015).

Labcorp Genetics (formerly Invitae), Labcorp
Classification: Pathogenic for Nemaline myopathy 2. Last evaluated: 2024-10-17. Review status: criteria provided, single submitter. Criteria: Invitae Variant Classification Sherloc (09022015). Collection method: clinical testing. Allele origin: germline.
Comment: This sequence change affects codon 8228 of the NEB mRNA. It is a 'silent' change, meaning that it does not change the encoded amino acid sequence of the NEB protein. RNA analysis indicates that this variant induces altered splicing and may result in an absent or altered protein product. This variant is present in population databases (rs202048855, gnomAD 0.01%). This variant has been observed in individual(s) with nemaline myopathy (PMID: 30467404). In at least one individual the data is consistent with being in trans (on the opposite chromosome) from a pathogenic variant. ClinVar contains an entry for this variant (Variation ID: 657591). Variants that disrupt the consensus splice site are a relatively common cause of aberrant splicing (PMID: 17576681, 9536098). Studies have shown that this variant results in intron 175 retention, and produces a non-functional protein and/or introduces a premature termination codon (PMID: 30467404). This variant disrupts the c.24684G nucleotide in the NEB gene. Other variant(s) that disrupt this nucleotide have been determined to be pathogenic (PMID: 24725366, 29669168). This suggests that this nucleotide is clinically significant, and that variants that disrupt this position are likely to be disease-causing. For these reasons, this variant has been classified as Pathogenic.

Fulgent Genetics
Classification: Pathogenic for Nemaline myopathy 2; Arthrogryposis multiplex congenita 6. Last evaluated: 2024-04-05. Review status: criteria provided, single submitter. Criteria: ACMG Guidelines, 2015. Collection method: clinical testing. Allele origin: germline.

Baylor Genetics
Classification: Pathogenic for Arthrogryposis multiplex congenita 6. Last evaluated: 2024-03-18. Review status: criteria provided, single submitter. Criteria: ACMG Guidelines, 2015. Collection method: clinical testing. Allele origin: unknown.

Literature cited by the submitters: PubMed 30467404 (cited by 3 submitters); PubMed 27074222 (cited by Natera, Inc.); PubMed 17576681 (cited by Labcorp Genetics (formerly Invitae), Labcorp); PubMed 9536098 (cited by Labcorp Genetics (formerly Invitae), Labcorp); PubMed 24725366 (cited by Labcorp Genetics (formerly Invitae), Labcorp); PubMed 29669168 (cited by Labcorp Genetics (formerly Invitae), Labcorp).